The following is an entry in ClinVar:

NM_001999.4(FBN2):c.65G>C (p.Trp22Ser)

Gene: FBN2 (fibrillin 2; minus strand). Cytogenetic location: 5q23.3.
Variant type: single nucleotide variant.
Coding change: c.65G>C on transcript NM_001999.4 (MANE Select); coding-DNA position 65, G replaced by C.
Protein change: p.Trp22Ser; replaces tryptophan 22 with serine.
Molecular consequence: missense variant.
Genome position (GRCh38, 1-based): chr5:128,537,539, C>G on the plus strand (G>C on the coding strand, the complement: FBN2 is on the minus strand). VCF-style: chr5-128537539-C-G. GRCh37 (hg19) VCF-style: chr5-127873232-C-G.
Other names: short protein forms W22S.
Identifiers: ClinVar variation 4983351 (VCV004983351.1).

ClinVar aggregate classification (germline): Uncertain significance (1 of 4 stars; one submission).

Conditions:
FBN2-related disorder. Also called: FBN2-related condition.

Submission:

PreventionGenetics, part of Exact Sciences
Classification: Uncertain significance for FBN2-related condition. Last evaluated: 2026-06-21. Review status: criteria provided, single submitter. Criteria: ACMG Guidelines, 2015. Collection method: clinical testing. Allele origin: germline.
Comment: The FBN2 c.65G>C variant is predicted to result in the amino acid substitution p.Trp22Ser. To our knowledge, this variant has not been reported in the literature or in a large population database (gnomAD), indicating this variant is rare. At this time, the clinical significance of this variant is uncertain due to the absence of conclusive functional and genetic evidence.